The following is an entry in ClinVar:

NM_001003800.2(BICD2):c.1387C>T (p.Arg463Cys)

Gene: BICD2 (BICD cargo adaptor 2; minus strand). Cytogenetic location: 9q22.31.
Variant type: single nucleotide variant.
Coding change: c.1387C>T on transcript NM_001003800.2 (MANE Select); coding-DNA position 1387, C replaced by T.
Protein change: p.Arg463Cys; replaces arginine 463 with cysteine.
Molecular consequence: missense variant.
Genome position (GRCh38, 1-based): chr9:92,719,258, G>A on the plus strand (C>T on the coding strand, the complement: BICD2 is on the minus strand). VCF-style: chr9-92719258-G-A. GRCh37 (hg19) VCF-style: chr9-95481540-G-A.
Other names: c.1387C>T, p.Arg463Cys (NM_015250.4); short protein forms R463C.
Identifiers: ClinVar variation 390984 (VCV000390984.15), dbSNP rs78319441, ClinGen allele CA5126568.

ClinVar aggregate classification (germline): Benign/Likely benign. Review status: criteria provided, multiple submitters, no conflicts (2 of 4 stars). 4 submissions from 4 submitters: Benign (1); Likely benign (2). 1 of the submissions does not count toward it. Last evaluated 2025-12-22.

Conditions:
BICD2-related disorder. Also called: BICD2-related condition.
Inborn genetic diseases. Identifiers: MedGen C0950123, MeSH D030342.
Autosomal dominant childhood-onset proximal spinal muscular atrophy with contractures (SMALED2A). Also called: SPINAL MUSCULAR ATROPHY, LOWER EXTREMITY-PREDOMINANT, 2A, CHILDHOOD ONSET, AUTOSOMAL DOMINANT; Spinal muscular atrophy, lower extremity-predominant, 2A, autosomal dominant. Identifiers: Orphanet 363447, Orphanet 363454, MedGen C4747715, MONDO:0014121, OMIM 615290.

Allele frequency attached by ClinVar (database versions not stated): gnomAD exomes 0.00012 and 0.00033; ExAC 0.00044; gnomAD 0.00106 and 0.00113; 1000 Genomes Project 0.00120; TOPMed 0.00142; ESP Exome Variant Server 0.00177; 1000 Genomes Project 30x 0.00219.
gnomAD v4.1: 340 of 1,613,310 alleles (0.021%); highest among the groups gnomAD compares: African/African-American, 0.42%; 1 homozygote.

Submissions (4):

Labcorp Genetics (formerly Invitae), Labcorp
Classification: Benign for Autosomal dominant childhood-onset proximal spinal muscular atrophy with contractures. Last evaluated: 2025-12-22. Review status: criteria provided, single submitter. Criteria: Invitae Variant Classification Sherloc (09022015). Collection method: clinical testing. Allele origin: germline.

Ambry Genetics
Classification: Likely benign for Inborn genetic diseases. Last evaluated: 2020-05-15. Review status: criteria provided, single submitter. Criteria: Ambry Variant Classification Scheme 2023. Collection method: clinical testing. Allele origin: germline.

GeneDx
Classification: Likely benign. Last evaluated: 2016-11-23. Review status: criteria provided, single submitter. Criteria: GeneDx Variant Classification (06012015). Collection method: clinical testing. Allele origin: germline. Affected: yes.
Comment: This variant is considered likely benign or benign based on one or more of the following criteria: it is a conservative change, it occurs at a poorly conserved position in the protein, it is predicted to be benign by multiple in silico algorithms, and/or has population frequency not consistent with disease.

PreventionGenetics, part of Exact Sciences
Classification: Benign for BICD2-related condition. Last evaluated: 2019-05-15. Review status: no assertion criteria provided. Collection method: clinical testing. Allele origin: germline. Not counted in ClinVar's aggregate classification.
Comment: This variant is classified as benign based on ACMG/AMP sequence variant interpretation guidelines (Richards et al. 2015 PMID: 25741868, with internal and published modifications).